The following continues an entry in ClinVar:

NM_001142800.2(EYS):c.6714del (p.Ile2239fs)

Gene: EYS. ClinVar aggregate classification (germline): Pathogenic/Likely pathogenic. Pathogenic (21); Likely pathogenic (1).

Submissions 16 to 26 of 26:

Ocular Genomics Institute, Massachusetts Eye and Ear
Classification: Pathogenic for Retinitis pigmentosa 25. Last evaluated: 2021-04-08. Review status: criteria provided, single submitter. Criteria: ACMG Guidelines, 2015. Collection method: research. Allele origin: germline. Affected: yes.
Comment: Through a review of available evidence we were able to apply the following criteria: PVS1, PM2, PM3_strong. Based on this evidence we have classified this variant as Pathogenic.

Broad Center for Mendelian Genomics, Broad Institute of MIT and Harvard
Classification: Pathogenic for Retinitis pigmentosa. Last evaluated: 2021-04-01. Review status: criteria provided, single submitter. Criteria: ACMG Guidelines, 2015. Collection method: curation. Allele origin: germline. Inheritance: Autosomal recessive inheritance. Affected: yes.
Comment: Through a review of available evidence we were able to apply the following criteria: PVS1, PM2, PP5. Based on this evidence we have classified this variant as Pathogenic. If you have any questions about the classification please reach out to the Pierce Lab.

Institute of Medical Genetics and Applied Genomics, University Hospital Tübingen
Classification: Pathogenic. Last evaluated: 2020-10-23. Review status: criteria provided, single submitter. Criteria: ACMG Guidelines, 2015. Collection method: clinical testing. Allele origin: germline. Inheritance: Unknown mechanism. Affected: yes.

MVZ Martinsried, Medicover Genetics
Classification: Pathogenic for Retinitis pigmentosa 25. Last evaluated: 2019-06-03. Review status: criteria provided, single submitter. Criteria: ACMG Guidelines, 2015. Collection method: clinical testing. Allele origin: unknown. Affected: yes.

Illumina Laboratory Services, Illumina
Classification: Likely pathogenic for Retinitis pigmentosa. Last evaluated: 2016-08-28. Review status: criteria provided, single submitter. Criteria: ICSL Variant Classification Criteria 09 May 2019. Collection method: clinical testing. Allele origin: germline.
Comment: The EYS c.6714delT (p.Ile2239SerfsTer17) variant results in a frameshift and is predicted to result in premature termination of the protein. The p.Ile2239SerfsTer17 variant has been reported in a total of four individuals with autosomal recessive retinitis pigmentosa, including two homozygotes and two compound heterozygotes (Collin et al. 2008; Barragan et al. 2010; Katagiri et al. 2014; Ge et al. 2015). The variant was absent from the 1051 controls and is not found in the 1000 Genomes Project, the Exome Sequencing Project, or the Exome Aggregation Consortium. The Ile2239 residue is highly conserved. Based on the evidence from the literature and due to the potential impact of frameshift variants, the p.Ile2239SerfsTer17 variant is classified as likely pathogenic for the autosomal recessive form of retinitis pigmentosa. This variant was observed by ICSL as part of a predisposition screen in an ostensibly healthy population.

Molecular Diagnostics Laboratory, M Health Fairview: University of Minnesota
Classification: Pathogenic for Retinitis pigmentosa 25. Last evaluated: 2016-05-13. Review status: criteria provided, single submitter. Criteria: ACMG Guidelines, 2015. Collection method: clinical testing. Allele origin: germline. Affected: yes. Observed: 1 variant allele.

Kariminejad - Najmabadi Pathology & Genetics Center
Classification: Pathogenic for Retinitis pigmentosa 25. Review status: criteria provided, single submitter. Criteria: ACMG Guidelines, 2015. Collection method: clinical testing. Allele origin: germline. Affected: no.

Department of Clinical Genetics, Copenhagen University Hospital, Rigshospitalet
Classification: Pathogenic for Retinitis pigmentosa. Last evaluated: 2018-04-01. Review status: no assertion criteria provided. Collection method: research. Allele origin: unknown. Affected: yes. Study: VeluxRD. Not counted in ClinVar's aggregate classification.

Counsyl
Classification: Pathogenic for Retinitis pigmentosa 25. Last evaluated: 2017-05-09. Review status: no assertion criteria provided. Collection method: clinical testing. Allele origin: unknown. Not counted in ClinVar's aggregate classification.

Joint Genome Diagnostic Labs from Nijmegen and Maastricht, Radboudumc and MUMC+
Classification: Pathogenic for Retinitis pigmentosa 25. Last evaluated: 2016-09-01. Review status: no assertion criteria provided. Collection method: clinical testing. Allele origin: inherited. Affected: yes. Observed: 1 variant allele. Not counted in ClinVar's aggregate classification.

OMIM
Classification: Pathogenic for RETINITIS PIGMENTOSA 25. Last evaluated: 2008-11-01. Review status: no assertion criteria provided. Collection method: literature only. Allele origin: germline. Not counted in ClinVar's aggregate classification.

Literature cited by the submitters: PubMed 18836446 (cited by Labcorp Genetics (formerly Invitae), Labcorp); PubMed 20333770 (cited by Labcorp Genetics (formerly Invitae), Labcorp); PubMed 18976725 (cited by 9 submitters); PubMed 21069908 (cited by 5 submitters); PubMed 26667666 (cited by 4 submitters); PubMed 29550188 (cited by 3 submitters); PubMed 25268133 (cited by 3 submitters); 18836446, 20333770 (cited by Ophthalmology, Kobe City Eye Hospital); PubMed 31589614 (cited by Institute of Human Genetics, Univ. Regensburg, Univ. Regensburg); PubMed 31074760 (cited by Institute of Human Genetics, Univ. Regensburg, Univ. Regensburg); PubMed 31964843 (cited by Institute of Human Genetics, Univ. Regensburg, Univ. Regensburg); PubMed 32036094 (cited by Institute of Human Genetics, Univ. Regensburg, Univ. Regensburg); PubMed 32531858 (cited by Institute of Human Genetics, Univ. Regensburg, Univ. Regensburg and Women's Health and Genetics/Laboratory Corporation of America, LabCorp); PubMed 32218477 (cited by Institute of Human Genetics, Univ. Regensburg, Univ. Regensburg); PubMed 31816670 (cited by Institute of Human Genetics, Univ. Regensburg, Univ. Regensburg); PubMed 32037395 (cited by Institute of Human Genetics, Univ. Regensburg, Univ. Regensburg); PubMed 33576794 (cited by Institute of Human Genetics, Univ. Regensburg, Univ. Regensburg); PubMed 34315337 (cited by Institute of Human Genetics, Univ. Regensburg, Univ. Regensburg); PubMed 34426522 (cited by Institute of Human Genetics, Univ. Regensburg, Univ. Regensburg); PubMed 36284460 (cited by Institute of Human Genetics, Univ. Regensburg, Univ. Regensburg); PubMed 36819107 (cited by Institute of Human Genetics, Univ. Regensburg, Univ. Regensburg); PubMed 30718709 (cited by Ocular Genomics Institute, Massachusetts Eye and Ear and Department of Clinical Genetics, Copenhagen University Hospital, Rigshospitalet); PubMed 18976726 (cited by Ocular Genomics Institute, Massachusetts Eye and Ear); PubMed 34906470 (cited by Broad Center for Mendelian Genomics, Broad Institute of MIT and Harvard); PubMed 21217109 (cited by Broad Center for Mendelian Genomics, Broad Institute of MIT and Harvard and Counsyl).